The following is an entry in ClinVar:

NM_014363.6(SACS):c.6336A>C (p.Arg2112Ser)

Gene: SACS (sacsin molecular chaperone; minus strand). Cytogenetic location: 13q12.12.
Variant type: single nucleotide variant.
Coding change: c.6336A>C on transcript NM_014363.6 (MANE Select); coding-DNA position 6336, A replaced by C.
Protein change: p.Arg2112Ser; replaces arginine 2112 with serine.
Molecular consequence: missense variant.
Genome position (GRCh38, 1-based): chr13:23,337,540, T>G on the plus strand (A>C on the coding strand, the complement: SACS is on the minus strand). VCF-style: chr13-23337540-T-G. GRCh37 (hg19) VCF-style: chr13-23911679-T-G.
Other names: c.5895A>C, p.Arg1965Ser (NM_001278055.2); short protein forms R2112S, R1965S.
Identifiers: ClinVar variation 448215 (VCV000448215.34), dbSNP rs80132141, ClinGen allele CA6911101.

ClinVar aggregate classification (germline): Conflicting classifications of pathogenicity. Review status: criteria provided, conflicting classifications (1 of 4 stars). 9 submissions from 9 submitters: Uncertain significance (2); Benign (4); Likely benign (3). Last evaluated 2026-01-28.

Conditions:
Charlevoix-Saguenay spastic ataxia (SACS). Also called: SPASTIC ATAXIA 6, AUTOSOMAL RECESSIVE; Spastic ataxia of Charlevoix-Saguenay; AUTOSOMAL RECESSIVE SPASTIC ATAXIA OF CHARLEVOIX-SAGUENAY. Identifiers: Orphanet 98, MedGen C1849140, MONDO:0010041, OMIM 270550.
SACS-related disorder. Also called: SACS-related condition.
Spastic paraplegia. Identifiers: MedGen C0037772, HP:0001258.
Hereditary spastic paraplegia. Also called: Familial spastic paraparesis. Identifiers: Orphanet 685, MedGen C0037773, MONDO:0019064. Disease mechanism: loss of function.

Allele frequency attached by ClinVar (database versions not stated): gnomAD exomes 0.00026 and 0.00081; ExAC 0.00099; 1000 Genomes Project 0.00200; 1000 Genomes Project 30x 0.00250; gnomAD 0.00313 and 0.00343; ESP Exome Variant Server 0.00315; TOPMed 0.00353.
gnomAD v4.1: 877 of 1,613,970 alleles (0.054%); highest among the groups gnomAD compares: African/African-American, 1%; 2 homozygotes.

Submissions (9):

Labcorp Genetics (formerly Invitae), Labcorp
Classification: Benign for Spastic paraplegia. Last evaluated: 2026-01-28. Review status: criteria provided, single submitter. Criteria: Invitae Variant Classification Sherloc (09022015). Collection method: clinical testing. Allele origin: germline.

PreventionGenetics, part of Exact Sciences
Classification: Benign for SACS-related condition. Last evaluated: 2025-12-29. Review status: criteria provided, single submitter. Criteria: ACMG Guidelines, 2015. Collection method: clinical testing. Allele origin: germline.
Comment: This variant is classified as benign based on ACMG/AMP sequence variant interpretation guidelines (Richards et al. 2015 PMID: 25741868, with internal and published modifications).

CeGaT Center for Human Genetics Tuebingen
Classification: Likely benign. Last evaluated: 2025-07-01. Review status: criteria provided, single submitter. Criteria: CeGaT Center For Human Genetics Tuebingen Variant Classification Criteria Version 2. Collection method: clinical testing. Allele origin: germline. Affected: yes. Observed: 2 variant alleles.
Comment: SACS: BS1

Mayo Clinic Laboratories, Mayo Clinic
Classification: Likely benign. Last evaluated: 2025-01-28. Review status: criteria provided, single submitter. Criteria: ACMG Guidelines, 2015. Collection method: clinical testing. Allele origin: germline. Observed: 8 variant alleles.
Comment: BS1, BS2_supporting

Blueprint Genetics
Classification: Likely benign. Last evaluated: 2024-11-14. Review status: criteria provided, single submitter. Criteria: ACMG Guidelines, 2015. Collection method: clinical testing. Allele origin: germline.

Genome-Nilou Lab
Classification: Benign for Charlevoix-Saguenay spastic ataxia. Last evaluated: 2021-09-05. Review status: criteria provided, single submitter. Criteria: ACMG Guidelines, 2015. Collection method: clinical testing. Allele origin: germline. Affected: no.

Genome Diagnostics Laboratory, The Hospital for Sick Children
Classification: Uncertain significance for Hereditary spastic paraplegia. Last evaluated: 2020-02-01. Review status: criteria provided, single submitter. Criteria: ACMG Guidelines, 2015. Collection method: clinical testing. Allele origin: germline. Affected: yes.

Athena Diagnostics
Classification: Benign. Last evaluated: 2019-07-10. Review status: criteria provided, single submitter. Criteria: Athena Diagnostics Criteria. Collection method: clinical testing. Allele origin: germline.

Illumina Laboratory Services, Illumina
Classification: Uncertain significance for Charlevoix-Saguenay spastic ataxia. Last evaluated: 2018-01-13. Review status: criteria provided, single submitter. Criteria: ICSL Variant Classification Criteria 13 December 2019. Collection method: clinical testing. Allele origin: germline.